The following is an entry in ClinVar:

ClinVar aggregate classification (germline): Conflicting classifications of pathogenicity. Review status: criteria provided, conflicting classifications (1 of 4 stars). 3 submissions from 3 submitters: Uncertain significance (2); Likely benign (1). Last evaluated 2026-07-01.

Conditions:
PHIP-related disorder. Also called: PHIP-related disorders; PHIP-related condition.

Allele frequency attached by ClinVar (database versions not stated): gnomAD 0.00005; gnomAD exomes 0.00005; ExAC 0.00008; 1000 Genomes Project 30x 0.00016; 1000 Genomes Project 0.00020; TOPMed 0.00004.
gnomAD v4.1: 79 of 1,613,846 alleles (0.0049%); highest among the groups gnomAD compares: Middle Eastern, 0.016%; no homozygotes.

Submissions (3):

CeGaT Center for Human Genetics Tuebingen
Classification: Likely benign. Last evaluated: 2026-07-01. Review status: criteria provided, single submitter. Criteria: CeGaT Center For Human Genetics Tuebingen Variant Classification Criteria Version 2. Collection method: clinical testing. Allele origin: germline. Affected: yes. Observed: 1 variant allele.
Comment: PHIP: BP4

PreventionGenetics, part of Exact Sciences
Classification: Uncertain significance for PHIP-related condition. Last evaluated: 2026-04-27. Review status: criteria provided, single submitter. Criteria: ACMG Guidelines, 2015. Collection method: clinical testing. Allele origin: germline.
Comment: The PHIP c.4457C>T variant is predicted to result in the amino acid substitution p.Pro1486Leu. To our knowledge, this variant has not been reported in the literature. This variant is reported in 0.013% of alleles in individuals of South Asian descent in gnomAD, which is likely too common to be a primary cause of disease. Although we suspect this variant may be benign, at this time, the clinical significance of this variant is uncertain due to the absence of conclusive functional and genetic evidence.

Labcorp Genetics (formerly Invitae), Labcorp
Classification: Uncertain significance. Last evaluated: 2022-08-21. Review status: criteria provided, single submitter. Criteria: Invitae Variant Classification Sherloc (09022015). Collection method: clinical testing. Allele origin: germline.
Comment: In summary, the available evidence is currently insufficient to determine the role of this variant in disease. Therefore, it has been classified as a Variant of Uncertain Significance. Algorithms developed to predict the effect of missense changes on protein structure and function output the following: SIFT: "Not Available"; PolyPhen-2: "Not Available"; Align-GVGD: "Not Available". The leucine amino acid residue is found in multiple mammalian species, which suggests that this missense change does not adversely affect protein function. This variant has not been reported in the literature in individuals affected with PHIP-related conditions. This variant is present in population databases (rs556781504, gnomAD 0.01%). This sequence change replaces proline, which is neutral and non-polar, with leucine, which is neutral and non-polar, at codon 1486 of the PHIP protein (p.Pro1486Leu).

NM_017934.7(PHIP):c.4457C>T (p.Pro1486Leu)

Genes: IRAK1BP1 (interleukin 1 receptor associated kinase 1 binding protein 1; plus strand), PHIP (PHIP subunit of CUL4-Ring ligase complex; minus strand). Cytogenetic location: 6q14.1.
Variant type: single nucleotide variant.
Coding change: c.4457C>T on transcript NM_017934.7 (MANE Select); coding-DNA position 4457, C replaced by T.
Protein change: p.Pro1486Leu; replaces proline 1486 with leucine.
Molecular consequence: missense variant.
Genome position (GRCh38, 1-based): chr6:78,946,174, G>A on the plus strand (C>T on the coding strand, the complement: PHIP is on the minus strand). VCF-style: chr6-78946174-G-A. GRCh37 (hg19) VCF-style: chr6-79655891-G-A.
Other names: c.4457C>T (NM_017934.6); short protein forms P1486L.
Identifiers: ClinVar variation 2173736 (VCV002173736.9), dbSNP rs556781504, ClinGen allele CA3899441.